The following is an entry in ClinVar:

ClinVar aggregate classification (germline): Pathogenic. Review status: criteria provided, single submitter (1 of 4 stars). 2 submissions from 1 submitter: Pathogenic (2). Last evaluated 2019-01-01.

Conditions:
Congenital ptosis. Identifiers: Orphanet 91411, MedGen C0266573, MONDO:0008340, HP:0007970.
Epicanthus inversus. Identifiers: MedGen C1303003, HP:0000537.
Hypertelorism. Identifiers: MedGen C0020534, OMIM 145400, HP:0000316.
Midface retrusion. Identifiers: MedGen C1853242, HP:0011800.
Abnormal facial shape. Also called: Dysmorphic facial features; Dysmorphic facies. Identifiers: MedGen C0424503, HP:0001999.
Wide nose. Identifiers: MedGen C0426421, HP:0000445.
Congenital ocular coloboma. Also called: COLOBOMA OF IRIS, CHOROID, AND RETINA; COLOBOMA, UVEORETINAL; Coloboma of eye; Coloboma. Identifiers: Orphanet 194, MedGen C0009363, MONDO:0001476, HP:0000589.

Submissions (2):

Laboratory of Medical Genetics (UMR_S 1112), INSERM/Strasbourg University
Classification: Pathogenic for Congenital ptosis; Epicanthus inversus; Hypertelorism; Congenital ocular coloboma; Abnormal facial shape; Wide nose; Midface retrusion. Last evaluated: 2019-01-01. Review status: criteria provided, single submitter. Criteria: Submitter's publication. Collection method: research. Allele origin: inherited. Inheritance: Autosomal dominant inheritance. Affected: yes. Observed: 2 variant alleles, 3 heterozygotes.
Comment: Actin anomalies with a phenotype reminiscent of Baraister-Winter syndrome

Laboratory of Medical Genetics (UMR_S 1112), INSERM/Strasbourg University
Classification: Pathogenic for Congenital ptosis; Epicanthus inversus; Hypertelorism; Abnormal facial shape; Wide nose; Midface retrusion. Last evaluated: 2019-01-01. Review status: criteria provided, single submitter. Criteria: Submitter's publication. Collection method: research. Allele origin: inherited. Inheritance: Autosomal dominant inheritance. Affected: yes. Observed: 1 variant allele, 3 heterozygotes.
Comment: the same text as in the submission from Laboratory of Medical Genetics (UMR_S 1112), INSERM/Strasbourg University above.

Literature cited by the submitters: PubMed 40044823.

NM_001256012.3(MYH10):c.4505G>C (p.Arg1502Pro)

Gene: MYH10 (myosin heavy chain 10; minus strand). Cytogenetic location: 17p13.1.
Variant type: single nucleotide variant.
Coding change: c.4505G>C on transcript NM_001256012.3 (MANE Select); coding-DNA position 4505, G replaced by C.
Protein change: p.Arg1502Pro; replaces arginine 1502 with proline.
Molecular consequence: missense variant.
Genome position (GRCh38, 1-based): chr17:8,492,463, C>G on the plus strand (G>C on the coding strand, the complement: MYH10 is on the minus strand). VCF-style: chr17-8492463-C-G. GRCh37 (hg19) VCF-style: chr17-8395781-C-G.
Other names: c.4439G>C, p.Arg1480Pro (NM_001256095.2); c.4442G>C, p.Arg1481Pro (NM_001375266.1); c.4412G>C, p.Arg1471Pro (NM_005964.5); short protein forms R1502P, R1480P, R1471P, R1481P.
Identifiers: ClinVar variation 625873 (VCV000625873.4), dbSNP rs755969165, ClinGen allele CA398030360.